The following is an entry in ClinVar:

NM_001382567.1(STIM1):c.1135G>C (p.Gly379Arg)

Gene: STIM1 (stromal interaction molecule 1; plus strand). Cytogenetic location: 11p15.4.
Variant type: single nucleotide variant.
Coding change: c.1135G>C on transcript NM_001382567.1 (MANE Select); coding-DNA position 1135, G replaced by C.
Protein change: p.Gly379Arg; replaces glycine 379 with arginine.
Molecular consequence: missense variant. On other transcripts: non-coding transcript variant (2).
Genome position (GRCh38, 1-based): chr11:4,082,349, G>C. VCF-style: chr11-4082349-G-C. GRCh37 (hg19) VCF-style: chr11-4103579-G-C.
Other names: c.1135G>C, p.Gly379Arg (NM_001277961.3, NM_001277962.2, NM_001382568.1 and 1 more transcripts); c.913G>C, p.Gly305Arg (NM_001382566.1, NM_001382573.1, NM_001382575.1 and 4 more transcripts); c.1000G>C, p.Gly334Arg (NM_001382569.1); c.907G>C, p.Gly303Arg (NM_001382570.1); c.655G>C, p.Gly219Arg (NM_001382571.1); c.646G>C, p.Gly216Arg (NM_001382580.1, NM_001382581.1); short protein forms G216R, G219R, G303R, G305R, G334R, G379R.
Identifiers: ClinVar variation 1684439 (VCV001684439.5), dbSNP rs201447973, ClinGen allele CA379192916.

ClinVar aggregate classification (germline): Uncertain significance. Review status: criteria provided, multiple submitters, no conflicts (2 of 4 stars). 3 submissions from 3 submitters: Uncertain significance (2). 1 of the submissions does not count toward it. Last evaluated 2025-09-08.

Conditions:
Combined immunodeficiency due to STIM1 deficiency. Also called: STIM1 DEFICIENCY; IMMUNODEFICIENCY 10. Identifiers: Orphanet 169090, Orphanet 317430, MedGen C2748557, MONDO:0013008, OMIM 612783.
Stormorken syndrome (STRMK). Also called: THROMBOCYTOPATHY, ASPLENIA, AND MIOSIS. Identifiers: Orphanet 3204, MedGen C1861451, MONDO:0008497, OMIM 185070.
Myopathy with tubular aggregates (TAM). Also called: Tubular Aggregate Myopathy. Identifiers: Orphanet 2593, MedGen C0410207, MONDO:0008051.

gnomAD v4.1: 13 of 1,610,612 alleles (0.00081%); highest among the groups gnomAD compares: Non-Finnish European, 0.001%; no homozygotes.

Submissions (3):

Labcorp Genetics (formerly Invitae), Labcorp
Classification: Uncertain significance for Myopathy with tubular aggregates; Combined immunodeficiency due to STIM1 deficiency; Stormorken syndrome. Last evaluated: 2025-09-08. Review status: criteria provided, single submitter. Criteria: Invitae Variant Classification Sherloc (09022015). Collection method: clinical testing. Allele origin: germline.
Comment: This sequence change replaces glycine, which is neutral and non-polar, with arginine, which is basic and polar, at codon 379 of the STIM1 protein (p.Gly379Arg). This variant is present in population databases (no rsID available, gnomAD 0.002%). This variant has not been reported in the literature in individuals affected with STIM1-related conditions. ClinVar contains an entry for this variant (Variation ID: 1684439). Invitae Evidence Modeling of protein sequence and biophysical properties (such as structural, functional, and spatial information, amino acid conservation, physicochemical variation, residue mobility, and thermodynamic stability) has been performed for this missense variant. However, the output from this modeling did not meet the statistical confidence thresholds required to predict the impact of this variant on STIM1 protein function. In summary, the available evidence is currently insufficient to determine the role of this variant in disease. Therefore, it has been classified as a Variant of Uncertain Significance.

Blueprint Genetics
Classification: Uncertain significance. Last evaluated: 2023-07-28. Review status: criteria provided, single submitter. Criteria: ACMG Guidelines, 2015. Collection method: clinical testing. Allele origin: germline.

ISTH-SSC Genomics in Thrombosis and Hemostasis, KU Leuven, Center for Molecular and Vascular Biology
Classification: Uncertain significance for Stormorken syndrome. Review status: no assertion criteria provided. Collection method: research. Allele origin: unknown. Affected: yes. Not counted in ClinVar's aggregate classification.
Comment: Submitted to GoldVariant by Dr Karyn Mégy from NIHR Bioresource - Cambridge University, UK